The following is an entry in ClinVar:

NM_000334.4(SCN4A):c.2212A>T (p.Asn738Tyr)

Genes: GH-LCR (growth hormone locus control region; plus strand), SCN4A (sodium voltage-gated channel alpha subunit 4; minus strand). Cytogenetic location: 17q23.3.
Variant type: single nucleotide variant.
Coding change: c.2212A>T on transcript NM_000334.4 (MANE Select); coding-DNA position 2212, A replaced by T.
Protein change: p.Asn738Tyr; replaces asparagine 738 with tyrosine.
Molecular consequence: missense variant.
Genome position (GRCh38, 1-based): chr17:63,957,326, T>A on the plus strand (A>T on the coding strand, the complement: SCN4A is on the minus strand). VCF-style: chr17-63957326-T-A. GRCh37 (hg19) VCF-style: chr17-62034686-T-A.
Other names: short protein forms N738Y.
Identifiers: ClinVar variation 2044125 (VCV002044125.4), dbSNP rs375026081, ClinGen allele CA8709635.
Genomic context (GRCh38, chr17:63,957,326, plus strand): 5'-GGATGCGGAAGACGATGAGGAAGGAGTGGAAGAAATCATGCATGTGCCAGCGCGGCAGGT[T>A]GCAGTCCAAGGCAATCTTGCACACGCACTCCTTGTAGCTCTTGCCAAACAGCTGCATGCC-3'
Protein context (NP_000325.4, residues 728-748): ECVCKIALDC[Asn738Tyr]LPRWHMHDFF

ClinVar aggregate classification (germline): Uncertain significance (1 of 4 stars; one submission).

Conditions:
Hyperkalemic periodic paralysis. Also called: Familial hyperkalemic periodic paralysis; Gamstorp disease. Identifiers: Orphanet 682, MedGen C0238357, MONDO:0008224, OMIM 170500, HP:0007215.

Allele frequency attached by ClinVar (database versions not stated): gnomAD exomes below 0.00001; ExAC 0.00001; gnomAD 0.00001; TOPMed 0.00001; ESP Exome Variant Server 0.00008.
gnomAD v4.1: 4 of 1,613,992 alleles (0.00025%); highest among the groups gnomAD compares: Non-Finnish European, 0.00034%; no homozygotes.

Submission:

Labcorp Genetics (formerly Invitae), Labcorp
Classification: Uncertain significance for Hyperkalemic periodic paralysis. Last evaluated: 2022-02-22. Review status: criteria provided, single submitter. Criteria: Invitae Variant Classification Sherloc (09022015). Collection method: clinical testing. Allele origin: germline.
Comment: In summary, the available evidence is currently insufficient to determine the role of this variant in disease. Therefore, it has been classified as a Variant of Uncertain Significance. Algorithms developed to predict the effect of missense changes on protein structure and function are either unavailable or do not agree on the potential impact of this missense change (SIFT: "Deleterious"; PolyPhen-2: "Benign"; Align-GVGD: "Class C15"). This variant has not been reported in the literature in individuals affected with SCN4A-related conditions. This variant is present in population databases (rs375026081, gnomAD 0.003%). This sequence change replaces asparagine, which is neutral and polar, with tyrosine, which is neutral and polar, at codon 738 of the SCN4A protein (p.Asn738Tyr).